The following is an entry in ClinVar:

NM_181507.2(HPS5):c.2640A>G (p.Ile880Met)

Gene: HPS5 (HPS5 biogenesis of lysosomal organelles complex 2 subunit 2; minus strand). Cytogenetic location: 11p15.1.
Variant type: single nucleotide variant.
Coding change: c.2640A>G on transcript NM_181507.2 (MANE Select); coding-DNA position 2640, A replaced by G.
Protein change: p.Ile880Met; replaces isoleucine 880 with methionine.
Molecular consequence: missense variant.
Genome position (GRCh38, 1-based): chr11:18,287,612, T>C on the plus strand (A>G on the coding strand, the complement: HPS5 is on the minus strand). VCF-style: chr11-18287612-T-C. GRCh37 (hg19) VCF-style: chr11-18309159-T-C.
Other names: c.2298A>G, p.Ile766Met (NM_007216.4, NM_181508.2); short protein forms I766M, I880M.
Identifiers: ClinVar variation 3526513 (VCV003526513.3).

ClinVar aggregate classification (germline): Conflicting classifications of pathogenicity. Review status: criteria provided, conflicting classifications (1 of 4 stars). 2 submissions from 2 submitters: Uncertain significance (1); Likely benign (1). Last evaluated 2024-09-01.

Conditions:
Inborn genetic diseases. Identifiers: MedGen C0950123, MeSH D030342.

gnomAD v4.1: 3 of 1,614,176 alleles (0.00019%); highest among the groups gnomAD compares: Admixed American, 0.005%; no homozygotes.

Submissions (2):

Ambry Genetics
Classification: Likely benign for Inborn genetic diseases. Last evaluated: 2024-09-01. Review status: criteria provided, single submitter. Criteria: Ambry Variant Classification Scheme 2023. Collection method: clinical testing. Allele origin: germline.

Labcorp Genetics (formerly Invitae), Labcorp
Classification: Uncertain significance. Last evaluated: 2024-06-02. Review status: criteria provided, single submitter. Criteria: Invitae Variant Classification Sherloc (09022015). Collection method: clinical testing. Allele origin: germline.
Comment: This sequence change replaces isoleucine, which is neutral and non-polar, with methionine, which is neutral and non-polar, at codon 880 of the HPS5 protein (p.Ile880Met). This variant is not present in population databases (gnomAD no frequency). This variant has not been reported in the literature in individuals affected with HPS5-related conditions. Algorithms developed to predict the effect of missense changes on protein structure and function output the following: SIFT: "Not Available"; PolyPhen-2: "Benign"; Align-GVGD: "Not Available". The methionine amino acid residue is found in multiple mammalian species, which suggests that this missense change does not adversely affect protein function. In summary, the available evidence is currently insufficient to determine the role of this variant in disease. Therefore, it has been classified as a Variant of Uncertain Significance.